The following is an entry in ClinVar:

ClinVar aggregate classification (germline): Uncertain significance (1 of 4 stars; one submission).

Submission:

Labcorp Genetics (formerly Invitae), Labcorp
Classification: Uncertain significance. Last evaluated: 2022-08-09. Review status: criteria provided, single submitter. Criteria: Invitae Variant Classification Sherloc (09022015). Collection method: clinical testing. Allele origin: germline.
Comment: This sequence change replaces serine, which is neutral and polar, with glycine, which is neutral and non-polar, at codon 2430 of the MYO18B protein (p.Ser2430Gly). In summary, the available evidence is currently insufficient to determine the role of this variant in disease. Therefore, it has been classified as a Variant of Uncertain Significance. Algorithms developed to predict the effect of missense changes on protein structure and function output the following: SIFT: "Not Available"; PolyPhen-2: "Benign"; Align-GVGD: "Not Available". The glycine amino acid residue is found in multiple mammalian species, which suggests that this missense change does not adversely affect protein function. ClinVar contains an entry for this variant (Variation ID: 1445080). This variant has not been reported in the literature in individuals affected with MYO18B-related conditions. This variant is not present in population databases (gnomAD no frequency).

NM_032608.7(MYO18B):c.7288A>G (p.Ser2430Gly)

Gene: MYO18B (myosin XVIIIB; plus strand). Cytogenetic location: 22q12.1.
Variant type: single nucleotide variant.
Coding change: c.7288A>G on transcript NM_032608.7 (MANE Select); coding-DNA position 7288, A replaced by G.
Protein change: p.Ser2430Gly; replaces serine 2430 with glycine.
Molecular consequence: missense variant.
Genome position (GRCh38, 1-based): chr22:26,027,262, A>G. VCF-style: chr22-26027262-A-G. GRCh37 (hg19) VCF-style: chr22-26423228-A-G.
Other names: c.7291A>G, p.Ser2431Gly (NM_001318245.2); short protein forms S2430G, S2431G.
Identifiers: ClinVar variation 1445080 (VCV001445080.8), dbSNP rs2147023186, ClinGen allele CA411012117.